The following is an entry in ClinVar:

NM_001013838.3(CARMIL2):c.1967A>C (p.Asp656Ala)

Gene: CARMIL2 (capping protein regulator and myosin 1 linker 2; plus strand). Cytogenetic location: 16q22.1.
Variant type: single nucleotide variant.
Coding change: c.1967A>C on transcript NM_001013838.3 (MANE Select); coding-DNA position 1967, A replaced by C.
Protein change: p.Asp656Ala; replaces aspartic acid 656 with alanine.
Molecular consequence: missense variant.
Genome position (GRCh38, 1-based): chr16:67,649,853, A>C. VCF-style: chr16-67649853-A-C. GRCh37 (hg19) VCF-style: chr16-67683756-A-C.
Other names: c.1859A>C, p.Asp620Ala (NM_001317026.3); short protein forms D656A, D620A.
Identifiers: ClinVar variation 1959370 (VCV001959370.6), dbSNP rs1004126390, ClinGen allele CA283207124.

ClinVar aggregate classification (germline): Uncertain significance. Review status: criteria provided, multiple submitters, no conflicts (2 of 4 stars). 2 submissions from 2 submitters: Uncertain significance (2). Last evaluated 2022-04-18.

Allele frequency attached by ClinVar (database versions not stated): gnomAD 0.00001; gnomAD exomes 0.00001.
gnomAD v4.1: 11 of 1,612,664 alleles (0.00068%); highest among the groups gnomAD compares: Middle Eastern, 0.016%; no homozygotes.

Submissions (2):

Labcorp Genetics (formerly Invitae), Labcorp
Classification: Uncertain significance. Last evaluated: 2022-04-18. Review status: criteria provided, single submitter. Criteria: Invitae Variant Classification Sherloc (09022015). Collection method: clinical testing. Allele origin: germline.
Comment: This sequence change replaces aspartic acid, which is acidic and polar, with alanine, which is neutral and non-polar, at codon 656 of the CARMIL2 protein (p.Asp656Ala). This variant is present in population databases (no rsID available, gnomAD 0.006%). This variant has not been reported in the literature in individuals affected with CARMIL2-related conditions. Algorithms developed to predict the effect of missense changes on protein structure and function are either unavailable or do not agree on the potential impact of this missense change (SIFT: "Deleterious"; PolyPhen-2: "Benign"; Align-GVGD: "Class C0"). In summary, the available evidence is currently insufficient to determine the role of this variant in disease. Therefore, it has been classified as a Variant of Uncertain Significance.

Blueprint Genetics
Classification: Uncertain significance. Last evaluated: 2018-08-06. Review status: criteria provided, single submitter. Criteria: ACMG Guidelines, 2015. Collection method: clinical testing. Allele origin: germline.